The following is an entry in ClinVar:

NM_000404.4(GLB1):c.712A>G (p.Thr238Ala)

Gene: GLB1 (galactosidase beta 1; minus strand). Cytogenetic location: 3p22.3.
Variant type: single nucleotide variant.
Coding change: c.712A>G on transcript NM_000404.4 (MANE Select); coding-DNA position 712, A replaced by G.
Protein change: p.Thr238Ala; replaces threonine 238 with alanine.
Molecular consequence: missense variant. On other transcripts: intron variant (1).
Genome position (GRCh38, 1-based): chr3:33,058,110, T>C on the plus strand (A>G on the coding strand, the complement: GLB1 is on the minus strand). VCF-style: chr3-33058110-T-C. GRCh37 (hg19) VCF-style: chr3-33099602-T-C.
Other names: c.622A>G, p.Thr208Ala (NM_001079811.3); c.856A>G, p.Thr286Ala (NM_001317040.2); c.712A>G, p.Thr238Ala (NM_001393580.1); c.341-4561A>G (NM_001135602.3); c.712A>G (NM_000404.3); short protein forms T286A, T208A, T238A.
Identifiers: ClinVar variation 1502493 (VCV001502493.6), dbSNP rs750237687, ClinGen allele CA2299628.

ClinVar aggregate classification (germline): Uncertain significance. Review status: criteria provided, multiple submitters, no conflicts (2 of 4 stars). 2 submissions from 2 submitters: Uncertain significance (2). Last evaluated 2026-06-03.

Conditions:
Mucopolysaccharidosis, MPS-IV-B (MPS4B). Also called: Mucopolysaccharidosis Type IVB; Mucopolysaccharidosis Type IVB (Morquio B Disease); Mucopolysaccharidosis type IV B; Mucopolysaccharidosis type 4B; Mucopolysaccharidosis type IVB (Morquio); MPS IVB. Identifiers: Orphanet 309310, Orphanet 582, MedGen C0086652, MONDO:0009660, OMIM 253010.
GM1 gangliosidosis. Identifiers: Orphanet 354, MedGen C0085131, MONDO:0018149.
GLB1-related disorder. Also called: GLB1-related disorders. Identifiers: MedGen CN377807.

Allele frequency attached by ClinVar (database versions not stated): gnomAD exomes below 0.00001; TOPMed below 0.00001; ExAC 0.00001.
gnomAD v4.1: 7 of 1,613,990 alleles (0.00043%); highest among the groups gnomAD compares: South Asian, 0.0011%; no homozygotes.

Submissions (2):

PreventionGenetics, part of Exact Sciences
Classification: Uncertain significance for GLB1-related condition. Last evaluated: 2026-06-03. Review status: criteria provided, single submitter. Criteria: ACMG Guidelines, 2015. Collection method: clinical testing. Allele origin: germline.
Comment: The GLB1 c.712A>G variant is predicted to result in the amino acid substitution p.Thr238Ala. To our knowledge, this variant has not been reported in the literature or in a large population database (gnomAD), indicating this variant is rare. At this time, the clinical significance of this variant is uncertain due to the absence of conclusive functional and genetic evidence.

Labcorp Genetics (formerly Invitae), Labcorp
Classification: Uncertain significance for Mucopolysaccharidosis, MPS-IV-B; GM1 gangliosidosis. Last evaluated: 2022-06-02. Review status: criteria provided, single submitter. Criteria: Invitae Variant Classification Sherloc (09022015). Collection method: clinical testing. Allele origin: germline.
Comment: This sequence change replaces threonine, which is neutral and polar, with alanine, which is neutral and non-polar, at codon 238 of the GLB1 protein (p.Thr238Ala). This variant is present in population databases (rs750237687, gnomAD 0.0009%). This variant has not been reported in the literature in individuals affected with GLB1-related conditions. ClinVar contains an entry for this variant (Variation ID: 1502493). Advanced modeling of protein sequence and biophysical properties (such as structural, functional, and spatial information, amino acid conservation, physicochemical variation, residue mobility, and thermodynamic stability) performed at Invitae indicates that this missense variant is not expected to disrupt GLB1 protein function. In summary, the available evidence is currently insufficient to determine the role of this variant in disease. Therefore, it has been classified as a Variant of Uncertain Significance.